The following is an entry in ClinVar:

NM_199420.4(POLQ):c.37T>G (p.Ser13Ala)

Genes: POLQ (DNA polymerase theta; minus strand), LOC112872292 (Sharpr-MPRA regulatory region 30; plus strand). Cytogenetic location: 3q13.33.
Variant type: single nucleotide variant.
Coding change: c.37T>G on transcript NM_199420.4 (MANE Select); coding-DNA position 37, T replaced by G.
Protein change: p.Ser13Ala; replaces serine 13 with alanine.
Molecular consequence: missense variant.
Genome position (GRCh38, 1-based): chr3:121,545,841, A>C on the plus strand (T>G on the coding strand, the complement: POLQ is on the minus strand). VCF-style: chr3-121545841-A-C. GRCh37 (hg19) VCF-style: chr3-121264688-A-C.
Other names: short protein forms S13A.
Identifiers: ClinVar variation 2625872 (VCV002625872.2), dbSNP rs2546828757, ClinGen allele CA354097781.

ClinVar aggregate classification (germline): Uncertain significance (1 of 4 stars; one submission).

Submission:

Ambry Genetics
Classification: Uncertain significance. Last evaluated: 2023-09-01. Review status: criteria provided, single submitter. Criteria: Ambry Variant Classification Scheme 2023. Collection method: clinical testing. Allele origin: germline.
Comment: The p.S13A variant (also known as c.37T>G), located in coding exon 1 of the POLQ gene, results from a T to G substitution at nucleotide position 37. The serine at codon 13 is replaced by alanine, an amino acid with similar properties. This amino acid position is conserved. In addition, this alteration is predicted to be tolerated by in silico analysis. Since supporting evidence is limited at this time, the clinical significance of this alteration remains unclear.